The following is an entry in ClinVar:

ClinVar aggregate classification (germline): Likely benign (1 of 4 stars; one submission).

Allele frequency attached by ClinVar (database versions not stated): gnomAD exomes 0.00018; gnomAD 0.00020; TOPMed 0.00021; ESP Exome Variant Server 0.00031; ExAC 0.00036.
gnomAD v4.1: 322 of 1,612,222 alleles (0.02%); highest among the groups gnomAD compares: Admixed American, 0.0067%; 1 homozygote.

Submission:

CeGaT Center for Human Genetics Tuebingen
Classification: Likely benign. Last evaluated: 2022-12-01. Review status: criteria provided, single submitter. Criteria: CeGaT Center For Human Genetics Tuebingen Variant Classification Criteria Version 2. Collection method: clinical testing. Allele origin: germline. Affected: yes. Observed: 1 variant allele.
Comment: BCL9: BP4, BP7

NM_004326.4(BCL9):c.3396A>G (p.Gln1132=)

Gene: BCL9 (BCL9 transcription coactivator; plus strand). Cytogenetic location: 1q21.2.
Variant type: single nucleotide variant.
Coding change: c.3396A>G on transcript NM_004326.4 (MANE Select); coding-DNA position 3396, A replaced by G.
Protein change: p.Gln1132=; no amino-acid change (glutamine 1132 retained).
Molecular consequence: synonymous variant.
Genome position (GRCh38, 1-based): chr1:147,624,074, A>G. VCF-style: chr1-147624074-A-G. GRCh37 (hg19) VCF-style: chr1-147095875-A-G.
Identifiers: ClinVar variation 2639122 (VCV002639122.24), dbSNP rs148371186, ClinGen allele CA1065011.